The following is an entry in ClinVar:

NM_001378418.1(TCF20):c.936GCA[6] (p.Gln317_Pro318insGln)

Gene: TCF20 (transcription factor 20; minus strand). Cytogenetic location: 22q13.2.
Variant type: Microsatellite.
Coding change: c.936GCA[6] on transcript NM_001378418.1 (MANE Select); six copies in a row of the 3-base unit GCA starting at c.936; the reference has five copies in a row; one copy, 3 bases duplicated.
Protein change: p.Gln317_Pro318insGln.
Molecular consequence: inframe insertion.
Genome position (GRCh38, 1-based): chr22:42,214,356-42,214,358, TGC duplicated on the plus strand (GCA on the coding strand, the reverse complement: TCF20 is on the minus strand); duplicating any 3 consecutive bases within chr22:42,214,356-42,214,370 gives the same sequence; the position shown is the placement nearest the transcript's 3' end. VCF-style (leftmost placement, unchanged base first): chr22-42214355-T-TTGC. GRCh37 (hg19) VCF-style: chr22-42610361-T-TTGC.
Other names: c.936GCA[6], p.Gln317_Pro318insGln (NM_005650.4, NM_181492.3).
Identifiers: ClinVar variation 3015690 (VCV003015690.16), dbSNP rs767100749, ClinGen allele CA10267265.

ClinVar aggregate classification (germline): Conflicting classifications of pathogenicity. Review status: criteria provided, conflicting classifications (1 of 4 stars). 2 submissions from 2 submitters: Uncertain significance (1); Likely benign (1). Last evaluated 2025-02-01.

Submissions (2):

CeGaT Center for Human Genetics Tuebingen
Classification: Likely benign. Last evaluated: 2025-02-01. Review status: criteria provided, single submitter. Criteria: CeGaT Center For Human Genetics Tuebingen Variant Classification Criteria Version 2. Collection method: clinical testing. Allele origin: germline. Affected: yes. Observed: 1 variant allele.
Comment: TCF20: BP3

Labcorp Genetics (formerly Invitae), Labcorp
Classification: Uncertain significance. Last evaluated: 2023-12-19. Review status: criteria provided, single submitter. Criteria: Invitae Variant Classification Sherloc (09022015). Collection method: clinical testing. Allele origin: germline.
Comment: This variant, c.948_950dup, results in the insertion of 1 amino acid(s) of the TCF20 protein (p.Gln317dup), but otherwise preserves the integrity of the reading frame. This variant is present in population databases (rs773951212, gnomAD 0.003%). This variant has not been reported in the literature in individuals affected with TCF20-related conditions. Experimental studies and prediction algorithms are not available or were not evaluated, and the functional significance of this variant is currently unknown. In summary, the available evidence is currently insufficient to determine the role of this variant in disease. Therefore, it has been classified as a Variant of Uncertain Significance.